The following is an entry in ClinVar:

NM_002474.3(MYH11):c.505C>T (p.Arg169Trp)

Gene: MYH11 (myosin heavy chain 11; minus strand). Cytogenetic location: 16p13.11.
Variant type: single nucleotide variant.
Coding change: c.505C>T on transcript NM_002474.3 (MANE Select); coding-DNA position 505, C replaced by T.
Protein change: p.Arg169Trp; replaces arginine 169 with tryptophan.
Molecular consequence: missense variant.
Genome position (GRCh38, 1-based): chr16:15,798,685, G>A on the plus strand (C>T on the coding strand, the complement: MYH11 is on the minus strand). VCF-style: chr16-15798685-G-A. GRCh37 (hg19) VCF-style: chr16-15892542-G-A.
Other names: c.505C>T, p.Arg169Trp (NM_001040113.2, NM_001040114.2, NM_022844.3); c.505C>T (NM_002474.2); short protein forms R169W.
Identifiers: ClinVar variation 923609 (VCV000923609.10), dbSNP rs767290755, ClinGen allele CA7923020.

ClinVar aggregate classification (germline): Uncertain significance. Review status: criteria provided, multiple submitters, no conflicts (2 of 4 stars). 5 submissions from 5 submitters: Uncertain significance (5). Last evaluated 2025-04-25.

Conditions:
Familial thoracic aortic aneurysm and aortic dissection (TAAD). Also called: Thoracic aortic aneurysms and dissections. Identifiers: Orphanet 91387, MedGen C4707243, MONDO:0019625.

Allele frequency attached by ClinVar (database versions not stated): ExAC 0.00002.
gnomAD v4.1: 13 of 1,610,164 alleles (0.00081%); highest among the groups gnomAD compares: South Asian, 0.0033%; no homozygotes.

Submissions (5):

GeneDx
Classification: Uncertain significance. Last evaluated: 2025-04-25. Review status: criteria provided, single submitter. Criteria: GeneDx Variant Classification Process June 2021. Collection method: clinical testing. Allele origin: germline. Affected: yes.
Comment: Not observed at significant frequency in large population cohorts (gnomAD); In silico analysis supports that this missense variant has a deleterious effect on protein structure/function; Has not been previously published as pathogenic or benign to our knowledge

Color Diagnostics, LLC DBA Color Health
Classification: Uncertain significance for Familial thoracic aortic aneurysm and aortic dissection. Last evaluated: 2025-03-31. Review status: criteria provided, single submitter. Criteria: ACMG Guidelines, 2015. Collection method: clinical testing. Allele origin: germline.
Comment: This missense variant replaces arginine with tryptophan at codon 169 of the MYH11 protein. Computational prediction suggests that this variant may have a deleterious impact on protein structure and function. To our knowledge, functional studies have not been reported for this variant. This variant has not been reported in individuals affected with MYH11-related disorders in the literature. This variant has been identified in 3/250992 chromosomes in the general population by the Genome Aggregation Database (gnomAD). The available evidence is insufficient to determine the role of this variant in disease conclusively. Therefore, this variant is classified as a Variant of Uncertain Significance.

ARUP Laboratories, Molecular Genetics and Genomics, ARUP Laboratories
Classification: Uncertain significance. Last evaluated: 2024-03-06. Review status: criteria provided, single submitter. Criteria: ARUP Molecular Germline Variant Investigation Process 2024. Collection method: clinical testing. Allele origin: germline.
Comment: The MYH11 c.505C>T; p.Arg169Trp variant (rs767290755), to our knowledge, is not reported in the medical literature but is reported in ClinVar (Variation ID: 923609). This variant is only observed on three alleles in the Genome Aggregation Database (v2.1.1), indicating it is not a common polymorphism. Computational analyses predict that this variant is deleterious (REVEL: 0.768). Due to limited information, the clinical significance of this variant is uncertain at this time.

All of Us Research Program, National Institutes of Health
Classification: Uncertain significance for Familial thoracic aortic aneurysm and aortic dissection. Last evaluated: 2024-01-11. Review status: criteria provided, single submitter. Criteria: ACMG Guidelines, 2015. Collection method: clinical testing. Allele origin: germline. Inheritance: Autosomal dominant inheritance. Observed: 2 variant alleles, 2 heterozygotes.
Comment: This missense variant replaces arginine with tryptophan at codon 169 of the MYH11 protein. Computational prediction suggests that this variant may have deleterious impact on protein structure and function (internally defined REVEL score threshold >= 0.7, PMID: 27666373). Splice site prediction tools suggest that this variant may not impact RNA splicing. To our knowledge, functional studies have not been performed for this variant. This variant has not been reported in individuals affected with cardiovascular disorders in the literature. This variant has been identified in 3/250992 chromosomes in the general population by the Genome Aggregation Database (gnomAD). The available evidence is insufficient to determine the role of this variant in disease conclusively. Therefore, this variant is classified as a Variant of Uncertain Significance.

This study involves interpretation of variants in research participants for the purpose of population health screening. Participant phenotype was not available at the time of variant classification. Additional details can be found in publication PMID: 35346344, PMCID: PMC8962531

Ambry Genetics
Classification: Uncertain significance for Familial thoracic aortic aneurysm and aortic dissection. Last evaluated: 2023-02-28. Review status: criteria provided, single submitter. Criteria: Ambry Variant Classification Scheme 2023. Collection method: clinical testing. Allele origin: germline.
Comment: The p.R169W variant (also known as c.505C>T), located in coding exon 3 of the MYH11 gene, results from a C to T substitution at nucleotide position 505. The arginine at codon 169 is replaced by tryptophan, an amino acid with dissimilar properties. This amino acid position is highly conserved in available vertebrate species. In addition, the in silico prediction for this alteration is inconclusive. Since supporting evidence is limited at this time, the clinical significance of this alteration remains unclear.